The following is an entry in ClinVar:

NM_000159.4(GCDH):c.240G>C (p.Met80Ile)

Gene: GCDH (glutaryl-CoA dehydrogenase; plus strand). Cytogenetic location: 19p13.13.
Variant type: single nucleotide variant.
Coding change: c.240G>C on transcript NM_000159.4 (MANE Select); coding-DNA position 240, G replaced by C.
Protein change: p.Met80Ile; replaces methionine 80 with isoleucine.
Molecular consequence: missense variant. On other transcripts: non-coding transcript variant (2).
Genome position (GRCh38, 1-based): chr19:12,891,943, G>C. VCF-style: chr19-12891943-G-C. GRCh37 (hg19) VCF-style: chr19-13002757-G-C.
Other names: c.240G>C, p.Met80Ile (NM_013976.5); short protein forms M80I.
Identifiers: ClinVar variation 891415 (VCV000891415.7), dbSNP rs1970567585, ClinGen allele CA404315398.

ClinVar aggregate classification (germline): Uncertain significance. Review status: criteria provided, multiple submitters, no conflicts (2 of 4 stars). 3 submissions from 3 submitters: Uncertain significance (3). Last evaluated 2024-06-08.

Conditions:
Glutaric aciduria, type 1. Also called: Glutaricaciduria, type I; GA I; Glutaryl-CoA dehydrogenase deficiency; Glutaric acidemia type I; Glutaricacidemia Type 1; Glutaric Acidemia Type 1. Identifiers: Orphanet 25, MedGen C0268595, MONDO:0009281, OMIM 231670.

Allele frequency attached by ClinVar (database versions not stated): gnomAD exomes below 0.00001.
gnomAD v4.1: 2 of 1,614,234 alleles (0.00012%); highest among the groups gnomAD compares: Non-Finnish European, 0.00017%; no homozygotes.

Submissions (3):

Labcorp Genetics (formerly Invitae), Labcorp
Classification: Uncertain significance for Glutaric aciduria, type 1. Last evaluated: 2024-06-08. Review status: criteria provided, single submitter. Criteria: Invitae Variant Classification Sherloc (09022015). Collection method: clinical testing. Allele origin: germline.
Comment: This sequence change replaces methionine, which is neutral and non-polar, with isoleucine, which is neutral and non-polar, at codon 80 of the GCDH protein (p.Met80Ile). This variant is not present in population databases (gnomAD no frequency). This missense change has been observed in individual(s) with clinical features of Glutaric acidemia, type I (PMID: 29665094). ClinVar contains an entry for this variant (Variation ID: 891415). Advanced modeling of protein sequence and biophysical properties (such as structural, functional, and spatial information, amino acid conservation, physicochemical variation, residue mobility, and thermodynamic stability) performed at Invitae indicates that this missense variant is not expected to disrupt GCDH protein function with a negative predictive value of 80%. In summary, the available evidence is currently insufficient to determine the role of this variant in disease. Therefore, it has been classified as a Variant of Uncertain Significance.

Department of Pathology and Laboratory Medicine, Sinai Health System
Classification: Uncertain significance for Glutaric aciduria, type 1. Last evaluated: 2023-04-22. Review status: criteria provided, single submitter. Criteria: ACMG Guidelines, 2015. Collection method: research. Allele origin: germline.

Illumina Laboratory Services, Illumina
Classification: Uncertain significance for Glutaric aciduria, type 1. Last evaluated: 2018-01-13. Review status: criteria provided, single submitter. Criteria: ICSL Variant Classification Criteria 13 December 2019. Collection method: clinical testing. Allele origin: germline.

Literature cited by the submitters: PubMed 29665094 (cited by Labcorp Genetics (formerly Invitae), Labcorp).